The following is an entry in ClinVar:

ClinVar aggregate classification (germline): Uncertain significance. Review status: criteria provided, multiple submitters, no conflicts (2 of 4 stars). 5 submissions from 5 submitters: Uncertain significance (5). Last evaluated 2026-01-15.

Conditions:
MYH11-related disorder. Also called: MYH11-related condition.
Familial thoracic aortic aneurysm and aortic dissection (TAAD). Also called: Thoracic aortic aneurysms and dissections. Identifiers: Orphanet 91387, MedGen C4707243, MONDO:0019625.

Submissions (5):

PreventionGenetics, part of Exact Sciences
Classification: Uncertain significance for MYH11-related condition. Last evaluated: 2026-01-15. Review status: criteria provided, single submitter. Criteria: ACMG Guidelines, 2015. Collection method: clinical testing. Allele origin: germline.
Comment: The MYH11 c.2247C>A variant is predicted to result in the amino acid substitution p.Asp749Glu. To our knowledge, this variant has not been reported in the literature or in a large population database (gnomAD), indicating this variant is rare. At this time, the clinical significance of this variant is uncertain due to the absence of conclusive functional and genetic evidence.

All of Us Research Program, National Institutes of Health
Classification: Uncertain significance for Familial thoracic aortic aneurysm and aortic dissection. Last evaluated: 2024-05-30. Review status: criteria provided, single submitter. Criteria: ACMG Guidelines, 2015. Collection method: clinical testing. Allele origin: germline. Inheritance: Autosomal dominant inheritance. Observed: 2 variant alleles, 2 heterozygotes.
Comment: This missense variant replaces aspartic acid with glutamic acid at codon 749 of the MYH11 protein. Computational prediction is inconclusive regarding the impact of this variant on protein structure and function (internally defined REVEL score threshold 0.5 < inconclusive < 0.7, PMID: 27666373). To our knowledge, functional studies have not been reported for this variant. This variant has not been reported in individuals affected with MYH11-related disorders in the literature. This variant has not been identified in the general population by the Genome Aggregation Database (gnomAD). The available evidence is insufficient to determine the role of this variant in disease conclusively. Therefore, this variant is classified as a Variant of Uncertain Significance.

This study involves interpretation of variants in research participants for the purpose of population health screening. Participant phenotype was not available at the time of variant classification. Additional details can be found in publication PMID: 35346344, PMCID: PMC8962531

Color Diagnostics, LLC DBA Color Health
Classification: Uncertain significance for Familial thoracic aortic aneurysm and aortic dissection. Last evaluated: 2024-05-07. Review status: criteria provided, single submitter. Criteria: ACMG Guidelines, 2015. Collection method: clinical testing. Allele origin: germline.
Comment: This missense variant replaces aspartic acid with glutamic acid at codon 749 of the MYH11 protein. Computational prediction is inconclusive regarding the impact of this variant on protein structure and function. To our knowledge, functional studies have not been reported for this variant. This variant has not been reported in individuals affected with MYH11-related disorders in the literature. This variant has not been identified in the general population by the Genome Aggregation Database (gnomAD). The available evidence is insufficient to determine the role of this variant in disease conclusively. Therefore, this variant is classified as a Variant of Uncertain Significance.

GeneDx
Classification: Uncertain significance. Last evaluated: 2022-03-30. Review status: criteria provided, single submitter. Criteria: GeneDx Variant Classification Process June 2021. Collection method: clinical testing. Allele origin: germline. Affected: yes.
Comment: Has not been previously published as pathogenic or benign to our knowledge; Not observed at significant frequency in large population cohorts (gnomAD); In silico analysis supports that this missense variant has a deleterious effect on protein structure/function

Ambry Genetics
Classification: Uncertain significance for Familial thoracic aortic aneurysm and aortic dissection. Last evaluated: 2021-06-16. Review status: criteria provided, single submitter. Criteria: Ambry Variant Classification Scheme 2023. Collection method: clinical testing. Allele origin: germline.
Comment: The p.D742E variant (also known as c.2226C>A), located in coding exon 17 of the MYH11 gene, results from a C to A substitution at nucleotide position 2226. The aspartic acid at codon 742 is replaced by glutamic acid, an amino acid with highly similar properties. This amino acid position is highly conserved in available vertebrate species. In addition, the in silico prediction for this alteration is inconclusive. Since supporting evidence is limited at this time, the clinical significance of this alteration remains unclear.

NM_002474.3(MYH11):c.2226C>A (p.Asp742Glu)

Gene: MYH11 (myosin heavy chain 11; minus strand). Cytogenetic location: 16p13.11.
Variant type: single nucleotide variant.
Coding change: c.2226C>A on transcript NM_002474.3 (MANE Select); coding-DNA position 2226, C replaced by A.
Protein change: p.Asp742Glu; replaces aspartic acid 742 with glutamic acid.
Molecular consequence: missense variant.
Genome position (GRCh38, 1-based): chr16:15,747,898, G>T on the plus strand (C>A on the coding strand, the complement: MYH11 is on the minus strand). VCF-style: chr16-15747898-G-T. GRCh37 (hg19) VCF-style: chr16-15841755-G-T.
Other names: c.2247C>A (NM_001040113.1); c.2247C>A, p.Asp749Glu (NM_001040113.2, NM_001040114.2); c.2226C>A, p.Asp742Glu (NM_022844.3, NM_022870.1); short protein forms D742E, D749E.
Identifiers: ClinVar variation 1707758 (VCV001707758.8), dbSNP rs745850224, ClinGen allele CA394867714.